The following is an entry in ClinVar:

ClinVar aggregate classification (germline): Uncertain significance (0 of 4 stars; one submission).

Conditions:
MAPT-related disorder. Also called: MAPT-Related Disorders; MAPT-related condition.

Submission:

PreventionGenetics, part of Exact Sciences
Classification: Uncertain significance for MAPT-related condition. Last evaluated: 2024-01-25. Review status: no assertion criteria provided. Collection method: clinical testing. Allele origin: germline.
Comment: The MAPT c.264G>T variant is predicted to result in the amino acid substitution p.Gln88His. To our knowledge, this variant has not been reported in the literature or in a large population database, indicating this variant is rare. At this time, the clinical significance of this variant is uncertain due to the absence of conclusive functional and genetic evidence.

NM_001377265.1(MAPT):c.220+2483G>T

Gene: MAPT (microtubule associated protein tau). Cytogenetic location: 17q21.31.
Variant type: single nucleotide variant.
Coding change: c.220+2483G>T on transcript NM_001377265.1 (MANE Select); 2483 bases into the intron after coding-DNA position 220, G replaced by T.
Molecular consequence: intron variant. On other transcripts: missense variant (4).
Genome position (GRCh38, 1-based): chr17:45,974,428, G>T. VCF-style: chr17-45974428-G-T. GRCh37 (hg19) VCF-style: chr17-44051794-G-T.
Other names: c.264G>T, p.Gln88His (NM_001123066.4, NM_001203252.2, NM_005910.6 and 1 more transcripts); c.134-3947G>T (NM_001377268.1, NM_016834.5, NM_016841.5); c.220+2483G>T (NM_001377266.1, NM_001123067.4, NM_001203251.2 and 1 more transcripts); short protein forms Q88H.
Identifiers: ClinVar variation 3029792 (VCV003029792.2), dbSNP rs2509637097, ClinGen allele CA399898316.